The following is an entry in ClinVar:

NM_006944.3(SPP2):c.403del (p.Ser135fs)

Gene: SPP2 (secreted phosphoprotein 2; plus strand). Cytogenetic location: 2q37.1.
Variant type: Deletion.
Coding change: c.403del on transcript NM_006944.3 (MANE Select); coding-DNA position 403, one base deleted (A; older notation c.403delA).
Protein change: p.Ser135fs; shifts the reading frame from serine 135.
Molecular consequence: frameshift variant.
Genome position (GRCh38, 1-based): chr2:234,060,438, A deleted. VCF-style (leftmost placement, unchanged base first): chr2-234060437-CA-C. GRCh37 (hg19) VCF-style: chr2-234969081-CA-C.
Other names: short protein forms S135fs.
Identifiers: ClinVar variation 1435667 (VCV001435667.6), dbSNP rs2125457484, ClinGen allele CA2573135613.

ClinVar aggregate classification (germline): Uncertain significance (1 of 4 stars; one submission).

Submission:

Labcorp Genetics (formerly Invitae), Labcorp
Classification: Uncertain significance. Last evaluated: 2021-08-28. Review status: criteria provided, single submitter. Criteria: Invitae Variant Classification Sherloc (09022015). Collection method: clinical testing. Allele origin: germline.
Comment: This sequence change creates a premature translational stop signal (p.Ser135Alafs*15) in the SPP2 gene. It is expected to result in an absent or disrupted protein product. However, the current clinical and genetic evidence is not sufficient to establish whether loss-of-function variants in SPP2 cause disease. This variant is not present in population databases (ExAC no frequency). This variant has not been reported in the literature in individuals affected with SPP2-related conditions. In summary, the available evidence is currently insufficient to determine the role of this variant in disease. Therefore, it has been classified as a Variant of Uncertain Significance.